The following is an entry in ClinVar:

ClinVar aggregate classification (germline): Likely benign (1 of 4 stars; one submission).

Submission:

CeGaT Center for Human Genetics Tuebingen
Classification: Likely benign. Last evaluated: 2023-08-01. Review status: criteria provided, single submitter. Criteria: CeGaT Center For Human Genetics Tuebingen Variant Classification Criteria Version 2. Collection method: clinical testing. Allele origin: germline. Affected: yes. Observed: 1 variant allele.
Comment: SHANK3: PM2:Supporting, BP4, BP7

NC_000022.11:g.50674689G>A

Gene: SHANK3 (SH3 and multiple ankyrin repeat domains 3; plus strand). Cytogenetic location: 22q13.33.
Variant type: single nucleotide variant.
Genome position: GRCh38 VCF-style: chr22-50674689-G-A. GRCh37 (hg19) VCF-style: chr22-51113117-G-A.
Identifiers: ClinVar variation 2653409 (VCV002653409.23), dbSNP rs2518368043, ClinGen allele CA515250947.